The following is an entry in ClinVar:

NM_014336.5(AIPL1):c.581A>G (p.Tyr194Cys)

Gene: AIPL1 (AIP like 1 HSP90 co-chaperone; minus strand). Cytogenetic location: 17p13.2.
Variant type: single nucleotide variant.
Coding change: c.581A>G on transcript NM_014336.5 (MANE Select); coding-DNA position 581, A replaced by G.
Protein change: p.Tyr194Cys; replaces tyrosine 194 with cysteine.
Molecular consequence: missense variant.
Genome position (GRCh38, 1-based): chr17:6,426,942, T>C on the plus strand (A>G on the coding strand, the complement: AIPL1 is on the minus strand). VCF-style: chr17-6426942-T-C. GRCh37 (hg19) VCF-style: chr17-6330262-T-C.
Other names: c.392A>G, p.Tyr131Cys (NM_001033054.3); c.401A>G, p.Tyr134Cys (NM_001033055.3); c.545A>G, p.Tyr182Cys (NM_001285399.3); c.515A>G, p.Tyr172Cys (NM_001285400.3); c.581A>G, p.Tyr194Cys (NM_001285401.3); c.464A>G, p.Tyr155Cys (NM_001285402.2); c.557A>G, p.Tyr186Cys (NM_001285403.4); short protein forms Y131C, Y134C, Y155C, Y172C, Y182C, Y186C, Y194C.
Identifiers: ClinVar variation 5021053 (VCV005021053.1).

ClinVar aggregate classification (germline): Uncertain significance (1 of 4 stars; one submission).

Submission:

Dasa
Classification: Uncertain significance. Last evaluated: 2026-07-29. Review status: criteria provided, single submitter. Criteria: DASA Assertion Criteria. Collection method: clinical testing. Allele origin: germline.
Comment: NM_014336.5(AIPL1):c.581A>G (p.Tyr194Cys) is a missense variant that results in the substitution of tyrosine with cysteine. This variant is absent from population databases. Computational prediction algorithms are consistent with a deleterious effect. The currently available literature and clinical evidence are not sufficient to establish a definitive association between this variant and the reported condition. Therefore, this variant is classified as a variant of uncertain significance.